The following is an entry in ClinVar:

NC_000011.9:g.(?_108099885)_(108225621_?)del

Gene: ATM (ATM serine/threonine kinase; plus strand). Cytogenetic location: 11q22.3.
Variant type: Deletion.
Identifiers: ClinVar variation 2422218 (VCV002422218.4).

ClinVar aggregate classification (germline): Pathogenic (1 of 4 stars; one submission).

Conditions:
Ataxia-telangiectasia syndrome (AT). Also called: Cerebello-oculocutaneous telangiectasia; Immunodeficiency with ataxia telangiectasia; Ataxia-telangiectasia; AT, COMPLEMENTATION GROUP C; Ataxia telangiectasia (A-T); LOUIS-BAR SYNDROME. Identifiers: Orphanet 100, MedGen C0004135, MONDO:0008840, OMIM 208900.

Submission:

Labcorp Genetics (formerly Invitae), Labcorp
Classification: Pathogenic for Ataxia-telangiectasia syndrome. Last evaluated: 2021-12-27. Review status: criteria provided, single submitter. Criteria: Invitae Variant Classification Sherloc (09022015). Collection method: clinical testing. Allele origin: germline.
Comment: For these reasons, this variant has been classified as Pathogenic. This variant has not been reported in the literature in individuals affected with ATM-related conditions. This variant is a gross deletion of the genomic region encompassing exon(s) 4-61 of the ATM gene. This deletion is out-of-frame, and is expected to create a premature termination codon and result in an absent or disrupted protein product. Loss-of-function variants in ATM are known to be pathogenic (PMID: 23807571, 25614872).

Literature cited by the submitters: PubMed 23807571; PubMed 25614872.